The following is an entry in ClinVar:

NM_014000.3(VCL):c.661C>T (p.Gln221Ter)

Gene: VCL (vinculin; plus strand). Cytogenetic location: 10q22.2.
Variant type: single nucleotide variant.
Coding change: c.661C>T on transcript NM_014000.3 (MANE Select); coding-DNA position 661, C replaced by T.
Protein change: p.Gln221Ter; replaces glutamine 221 with a stop codon.
Molecular consequence: nonsense.
Genome position (GRCh38, 1-based): chr10:74,074,781, C>T. VCF-style: chr10-74074781-C-T. GRCh37 (hg19) VCF-style: chr10-75834539-C-T.
Other names: c.661C>T, p.Gln221Ter (NM_003373.4); short protein forms Q221*.
Identifiers: ClinVar variation 4713103 (VCV004713103.1).

ClinVar aggregate classification (germline): Uncertain significance (1 of 4 stars; one submission).

Conditions:
Dilated cardiomyopathy 1W (CMD1W). Identifiers: Orphanet 154, MedGen C1969639, MONDO:0012667, OMIM 611407.

Submission:

Labcorp Genetics (formerly Invitae), Labcorp
Classification: Uncertain significance for Dilated cardiomyopathy 1W. Last evaluated: 2025-10-15. Review status: criteria provided, single submitter. Criteria: Invitae Variant Classification Sherloc (09022015). Collection method: clinical testing. Allele origin: germline.
Comment: This sequence change creates a premature translational stop signal (p.Gln221*) in the VCL gene. It is expected to result in an absent or disrupted protein product. However, the current clinical and genetic evidence is not sufficient to establish whether loss-of-function variants in VCL cause disease. This variant is not present in population databases (gnomAD no frequency). This variant has not been reported in the literature in individuals affected with VCL-related conditions. In summary, the available evidence is currently insufficient to determine the role of this variant in disease. Therefore, it has been classified as a Variant of Uncertain Significance.